The following is an entry in ClinVar:

ClinVar aggregate classification (germline): Conflicting classifications of pathogenicity. Review status: criteria provided, conflicting classifications (1 of 4 stars). 4 submissions from 4 submitters: Likely pathogenic (1); Uncertain significance (3). Last evaluated 2024-10-11.

Conditions:
Camptodactyly. Identifiers: MedGen C0685409, HP:0012385.
Aplasia/hypoplasia of the femur. Identifiers: MedGen C1851310, HP:0005613.
Bowing of the long bones. Identifiers: MedGen C1855340, HP:0006487.
Cleft soft palate. Also called: Cleft of soft palate. Identifiers: Orphanet 99772, MedGen C0432098, MONDO:0007338, OMIM 119570, HP:0000185.
Clubfoot. Also called: congenital talipes equinovarus; Talipes equinovarus; Club foot; Clubfeet; CLUBFOOT, CONGENITAL, WITH OR WITHOUT DEFICIENCY OF LONG BONES AND/OR MIRROR-IMAGE POLYDACTYLY. Identifiers: Orphanet 199315, MedGen C0009081, MONDO:0007342, OMIM 119800, HP:0001762.
Femoral bowing. Identifiers: MedGen C1859461, HP:0002980.
Radial bowing. Identifiers: MedGen C1859399, HP:0002986.
Ulnar bowing. Identifiers: MedGen C1865847, HP:0003031.
Short femur. Also called: Congenital short femur. Identifiers: Orphanet 1987, MedGen C0345375, MONDO:0016032, HP:0003097.
Bruck syndrome 2 (BRKS2). Also called: OSTEOGENESIS IMPERFECTA WITH CONGENITAL JOINT CONTRACTURES. Identifiers: Orphanet 2771, MedGen C1836602, MONDO:0012217, OMIM 609220.

Allele frequency attached by ClinVar (database versions not stated): gnomAD exomes below 0.00001 and 0.00001; ExAC 0.00001; gnomAD 0.00001; TOPMed 0.00001.
gnomAD v4.1: 12 of 1,602,388 alleles (0.00075%); highest among the groups gnomAD compares: Non-Finnish European, 0.001%; no homozygotes.

Submissions (4):

Victorian Clinical Genetics Services, Murdoch Childrens Research Institute
Classification: Uncertain significance for Bruck syndrome 2. Last evaluated: 2024-10-11. Review status: criteria provided, single submitter. Criteria: ACMG Guidelines, 2015. Collection method: clinical testing. Allele origin: germline. Inheritance: Autosomal recessive inheritance. Affected: yes.
Comment: Based on the classification scheme VCGS_Germline_v1.3.5, this variant is classified as VUS-3A. Following criteria are met: 0102 - Loss of function is a known mechanism of disease in this gene and is associated with Bruck syndrome 2 (MIM#609220). (I) 0106 - This gene is associated with autosomal recessive disease. (I) 0115 - Variants in this gene are known to have variable expressivity. Siblings sharing the same genetic variant and diagnosed with Bruck syndrome 2 displayed broad phenotypic variation (PMID: 32612477). (I) 0200 - Variant is predicted to result in a missense amino acid change from glycine to valine. (I) 0252 - This variant is homozygous. (I) 0304 - Variant is present in gnomAD (v4) <0.01 for a recessive condition (12 heterozygotes, 0 homozygotes). (SP) 0501 - Missense variant consistently predicted to be damaging by multiple in silico tools or highly conserved with a major amino acid change. (SP) 0604 - Variant is not located in an established domain, motif, hotspot or informative constraint region. (I) 0705 - No comparable missense variants have previous evidence for pathogenicity. (I) 0803 - This variant has limited previous evidence of pathogenicity in unrelated individuals. This variant was reported once as likely pathogenic, and twice as VUS in ClinVar by clinical laboratories. Personal correspondence determined the variant has been observed in an individual diagnosed with Bruck syndrome along with a second PLOD2 variant with unknown phasing. (SP) 0905 - No published segregation evidence has been identified for this variant. (I) 1007 - No published functional evidence has been identified for this variant. (I) Legend: (SP) - Supporting pathogenic, (I) - Information, (SB) - Supporting benign

Women's Health and Genetics/Laboratory Corporation of America, LabCorp
Classification: Uncertain significance. Last evaluated: 2024-05-10. Review status: criteria provided, single submitter. Criteria: LabCorp Variant Classification Summary - May 2015. Collection method: clinical testing. Allele origin: germline.
Comment: Variant summary: PLOD2 c.1361G>T (p.Gly454Val) results in a non-conservative amino acid change in the encoded protein sequence. Five of five in-silico tools predict a damaging effect of the variant on protein function. Consensus agreement among computation tools predict no significant impact on normal splicing. However, these predictions have yet to be confirmed by functional studies. The variant allele was found at a frequency of 4e-06 in 249570 control chromosomes. The available data on variant occurrences in the general population are insufficient to allow any conclusion about variant significance. To our knowledge, no occurrence of c.1361G>T in individuals affected with Osteogenesis Imperfecta and no experimental evidence demonstrating its impact on protein function have been reported. ClinVar contains an entry for this variant (Variation ID: 374011). Based on the evidence outlined above, the variant was classified as uncertain significance.

Labcorp Genetics (formerly Invitae), Labcorp
Classification: Uncertain significance. Last evaluated: 2022-08-16. Review status: criteria provided, single submitter. Criteria: Invitae Variant Classification Sherloc (09022015). Collection method: clinical testing. Allele origin: germline.
Comment: In summary, the available evidence is currently insufficient to determine the role of this variant in disease. Therefore, it has been classified as a Variant of Uncertain Significance. Algorithms developed to predict the effect of sequence changes on RNA splicing suggest that this variant may create or strengthen a splice site. Algorithms developed to predict the effect of missense changes on protein structure and function are either unavailable or do not agree on the potential impact of this missense change (SIFT: "Deleterious"; PolyPhen-2: "Probably Damaging"; Align-GVGD: "Class C0"). ClinVar contains an entry for this variant (Variation ID: 374011). This missense change has been observed in individual(s) with Bruck syndrome (Invitae). This variant is present in population databases (rs778360818, gnomAD 0.0009%). This sequence change replaces glycine, which is neutral and non-polar, with valine, which is neutral and non-polar, at codon 454 of the PLOD2 protein (p.Gly454Val).

Centre for Mendelian Genomics, University Medical Centre Ljubljana
Classification: Likely pathogenic for Aplasia/hypoplasia of the femur; Bowing of the long bones; Camptodactyly; Cleft soft palate; Femoral bowing; Radial bowing; Short femur; Clubfoot; Ulnar bowing. Last evaluated: 2015-11-16. Review status: criteria provided, single submitter. Criteria: ACMG Guidelines, 2015. Collection method: clinical testing. Allele origin: unknown. Affected: yes.

Literature cited by the submitters: PubMed 32612477 (cited by Victorian Clinical Genetics Services, Murdoch Childrens Research Institute).

NM_182943.3(PLOD2):c.1361G>T (p.Gly454Val)

Gene: PLOD2 (procollagen-lysine,2-oxoglutarate 5-dioxygenase 2; minus strand). Cytogenetic location: 3q24.
Variant type: single nucleotide variant.
Coding change: c.1361G>T on transcript NM_182943.3 (MANE Select); coding-DNA position 1361, G replaced by T.
Protein change: p.Gly454Val; replaces glycine 454 with valine.
Molecular consequence: missense variant.
Genome position (GRCh38, 1-based): chr3:146,079,255, C>A on the plus strand (G>T on the coding strand, the complement: PLOD2 is on the minus strand). VCF-style: chr3-146079255-C-A. GRCh37 (hg19) VCF-style: chr3-145797042-C-A.
Other names: c.1361G>T, p.Gly454Val (NM_000935.3); short protein forms G454V.
Identifiers: ClinVar variation 374011 (VCV000374011.12), dbSNP rs778360818, ClinGen allele CA2654910.